The following is an entry in ClinVar:

NM_001369.3(DNAH5):c.661G>A (p.Val221Met)

Gene: DNAH5 (dynein axonemal heavy chain 5; minus strand). Cytogenetic location: 5p15.2.
Variant type: single nucleotide variant.
Coding change: c.661G>A on transcript NM_001369.3 (MANE Select); coding-DNA position 661, G replaced by A.
Protein change: p.Val221Met; replaces valine 221 with methionine.
Molecular consequence: missense variant.
Genome position (GRCh38, 1-based): chr5:13,920,617, C>T on the plus strand (G>A on the coding strand, the complement: DNAH5 is on the minus strand). VCF-style: chr5-13920617-C-T. GRCh37 (hg19) VCF-style: chr5-13920726-C-T.
Other names: short protein forms V221M.
Identifiers: ClinVar variation 426176 (VCV000426176.10), dbSNP rs1085307485, ClinGen allele CA359221101.
Genomic context (GRCh38, chr5:13,920,617, plus strand): 5'-AGTAGTCCGTAGGTTCCTTTAGGGTTTTCAGTTCAAGTATGTCACACTTTCGAAGGTTCA[C>T]CTAATTAGAATGAAAATTAAATAATCAGATGATGCTTTTGTAAAACACACAGACTGTGGG-3'
Protein context (NP_001360.1, residues 211-231): SGAQESLKEK[Val221Met]NLRKCDILEL

ClinVar aggregate classification (germline): Uncertain significance. Review status: criteria provided, multiple submitters, no conflicts (2 of 4 stars). 2 submissions from 2 submitters: Uncertain significance (2). Last evaluated 2022-06-20.

Conditions:
Primary ciliary dyskinesia. Also called: Ciliary dyskinesia. Identifiers: Orphanet 244, MedGen C0008780, MONDO:0016575, HP:0012265.

Allele frequency attached by ClinVar (database versions not stated): gnomAD exomes below 0.00001; gnomAD 0.00001.
gnomAD v4.1: 2 of 1,613,898 alleles (0.00012%); highest among the groups gnomAD compares: African/African-American, 0.0027%; no homozygotes.

Submissions (2):

Labcorp Genetics (formerly Invitae), Labcorp
Classification: Uncertain significance for Primary ciliary dyskinesia. Last evaluated: 2022-06-20. Review status: criteria provided, single submitter. Criteria: Invitae Variant Classification Sherloc (09022015). Collection method: clinical testing. Allele origin: germline.
Comment: In summary, the available evidence is currently insufficient to determine the role of this variant in disease. Therefore, it has been classified as a Variant of Uncertain Significance. Algorithms developed to predict the effect of sequence changes on RNA splicing suggest that this variant may disrupt the consensus splice site. Algorithms developed to predict the effect of missense changes on protein structure and function are either unavailable or do not agree on the potential impact of this missense change (SIFT: "Deleterious"; PolyPhen-2: "Possibly Damaging"; Align-GVGD: "Class C0"). ClinVar contains an entry for this variant (Variation ID: 426176). This variant has not been reported in the literature in individuals affected with DNAH5-related conditions. This variant is present in population databases (no rsID available, gnomAD 0.01%). This sequence change replaces valine, which is neutral and non-polar, with methionine, which is neutral and non-polar, at codon 221 of the DNAH5 protein (p.Val221Met).

GeneDx
Classification: Uncertain significance. Last evaluated: 2017-04-28. Review status: criteria provided, single submitter. Criteria: GeneDx Variant Classification (06012015). Collection method: clinical testing. Allele origin: germline. Affected: yes.
Comment: The c.661 G>A variant in the DNAH5 gene has not been reported previously as a pathogenic variant, nor as a benign variant, to our knowledge. The c.661 G>A variant is not observed in large population cohorts (Lek et al., 2016; 1000 Genomes Consortium et al., 2015; Exome Variant Server). In-silico splice prediction models predict that c.661 G>A may damage the natural splice acceptor site in intron 6 that could. However, in the absence of RNA/functional studies, the actual effect of the c.661 G>A change in this individual is unknown. If c.661 G>A does not alter splicing, it will result in the V221M missense change. The V221M variant is a conservative amino acid substitution, which is not likely to impact secondary protein structure as these residues share similar properties. This substitution occurs at a position where amino acids with similar properties to Valine are tolerated across species. In silico analysis is inconsistent in its predictions as to whether or not the variant is damaging to the protein structure/function. We interpret c.661 G>A as a variant of uncertain significance.